The following is an entry in ClinVar:

ClinVar aggregate classification (germline): Uncertain significance (1 of 4 stars; one submission).

Conditions:
Cardiovascular phenotype. Identifiers: MedGen CN230736.

Allele frequency attached by ClinVar (database versions not stated): ExAC 0.00001.
gnomAD v4.1: 7 of 1,613,692 alleles (0.00043%); highest among the groups gnomAD compares: Non-Finnish European, 0.00059%; no homozygotes.

Submission:

Ambry Genetics
Classification: Uncertain significance for Cardiovascular phenotype. Last evaluated: 2020-03-06. Review status: criteria provided, single submitter. Criteria: Ambry Variant Classification Scheme 2023. Collection method: clinical testing. Allele origin: germline.
Comment: The p.A197S variant (also known as c.589G>T), located in coding exon 5 of the CASQ2 gene, results from a G to T substitution at nucleotide position 589. The alanine at codon 197 is replaced by serine, an amino acid with similar properties. This amino acid position is highly conserved in available vertebrate species. In addition, the in silico prediction for this alteration is inconclusive. Since supporting evidence is limited at this time, the clinical significance of this alteration remains unclear.

NM_001232.4(CASQ2):c.589G>T (p.Ala197Ser)

Gene: CASQ2 (calsequestrin 2; minus strand). Cytogenetic location: 1p13.1.
Variant type: single nucleotide variant.
Coding change: c.589G>T on transcript NM_001232.4 (MANE Select); coding-DNA position 589, G replaced by T.
Protein change: p.Ala197Ser; replaces alanine 197 with serine.
Molecular consequence: missense variant.
Genome position (GRCh38, 1-based): chr1:115,732,918, C>A on the plus strand (G>T on the coding strand, the complement: CASQ2 is on the minus strand). VCF-style: chr1-115732918-C-A. GRCh37 (hg19) VCF-style: chr1-116275539-C-A.
Other names: short protein forms A197S.
Identifiers: ClinVar variation 1750368 (VCV001750368.2), dbSNP rs749906718, ClinGen allele CA1023860.